The following is an entry in ClinVar:

ClinVar aggregate classification (germline): Likely benign. Review status: criteria provided, multiple submitters, no conflicts (2 of 4 stars). 4 submissions from 4 submitters: Likely benign (4). Last evaluated 2026-04-06.

Conditions:
PCNT-related disorder. Also called: PCNT-related condition.

Allele frequency attached by ClinVar (database versions not stated): gnomAD exomes 0.00001 and 0.00003; TOPMed 0.00001; ExAC 0.00005.
gnomAD v4.1: 7 of 1,613,464 alleles (0.00043%); highest among the groups gnomAD compares: East Asian, 0.011%; no homozygotes.

Submissions (4):

PreventionGenetics, part of Exact Sciences
Classification: Likely benign for PCNT-related condition. Last evaluated: 2026-04-06. Review status: criteria provided, single submitter. Criteria: ACMG Guidelines, 2015. Collection method: clinical testing. Allele origin: germline.
Comment: This variant is classified as likely benign based on ACMG/AMP sequence variant interpretation guidelines (Richards et al. 2015 PMID: 25741868, with internal and published modifications).

Labcorp Genetics (formerly Invitae), Labcorp
Classification: Likely benign. Last evaluated: 2024-12-02. Review status: criteria provided, single submitter. Criteria: Invitae Variant Classification Sherloc (09022015). Collection method: clinical testing. Allele origin: germline.

Blueprint Genetics
Classification: Likely benign. Last evaluated: 2024-06-17. Review status: criteria provided, single submitter. Criteria: ACMG Guidelines, 2015. Collection method: clinical testing. Allele origin: germline.

Genetic Services Laboratory, University of Chicago
Classification: Likely benign. Last evaluated: 2017-12-06. Review status: criteria provided, single submitter. Criteria: ACMG Guidelines, 2015. Collection method: clinical testing. Allele origin: germline. Affected: no.

NM_006031.6(PCNT):c.9597C>T (p.Ala3199=)

Gene: PCNT (pericentrin; plus strand). Cytogenetic location: 21q22.3.
Variant type: single nucleotide variant.
Coding change: c.9597C>T on transcript NM_006031.6 (MANE Select); coding-DNA position 9597, C replaced by T.
Protein change: p.Ala3199=; no amino-acid change (alanine 3199 retained).
Molecular consequence: synonymous variant.
Genome position (GRCh38, 1-based): chr21:46,441,058, C>T. VCF-style: chr21-46441058-C-T. GRCh37 (hg19) VCF-style: chr21-47860971-C-T.
Other names: c.9006C>T, p.Ala3002= (NM_001315529.2).
Identifiers: ClinVar variation 1336399 (VCV001336399.13), dbSNP rs780802031, ClinGen allele CA10081364.
Genomic context (GRCh38, chr21:46,441,058, plus strand): 5'-ATTTCCTTCCAAAGCAGAACGGAAAATCACATCTCGTCCTTTCACCAGGTTCCGCACGGC[C>T]GTCAGGGTGGTCATTGCAATATTAAGGTAAATGCCATGACGTTCAGTCAGTGCGTTCCGC-3'
Protein context (NP_006022.3, residues 3189-3209): TSRPFTRFRT[Ala3199=]VRVVIAILRL